The following is an entry in ClinVar:

NM_002242.4(KCNJ13):c.979A>G (p.Thr327Ala)

Genes: GIGYF2 (GRB10 interacting GYF protein 2; plus strand), KCNJ13 (potassium inwardly rectifying channel subfamily J member 13; minus strand). Cytogenetic location: 2q37.1.
Variant type: single nucleotide variant.
Coding change: c.979A>G on transcript NM_002242.4 (MANE Select); coding-DNA position 979, A replaced by G.
Protein change: p.Thr327Ala; replaces threonine 327 with alanine.
Molecular consequence: missense variant. On other transcripts: 3 prime UTR variant (1), intron variant (4).
Genome position (GRCh38, 1-based): chr2:232,768,295, T>C on the plus strand (A>G on the coding strand, the complement: KCNJ13 is on the minus strand). VCF-style: chr2-232768295-T-C. GRCh37 (hg19) VCF-style: chr2-233633005-T-C.
Other names: c.*458A>G (NM_001172416.1); c.739A>G, p.Thr247Ala (NM_001172417.1); c.532+6859T>C (NM_001103146.3, NM_015575.4, NM_001103147.2 and 1 more transcripts); short protein forms T247A, T327A.
Identifiers: ClinVar variation 1013931 (VCV001013931.6), dbSNP rs1574856135, ClinGen allele CA351007533.

ClinVar aggregate classification (germline): Uncertain significance (1 of 4 stars; one submission).

Allele frequency attached by ClinVar (database versions not stated): gnomAD exomes below 0.00001; TOPMed 0.00001.
gnomAD v4.1: 1 of 1,614,046 alleles (0.000062%); highest among the groups gnomAD compares: Non-Finnish European, 0.000085%; no homozygotes.

Submission:

Labcorp Genetics (formerly Invitae), Labcorp
Classification: Uncertain significance. Last evaluated: 2022-01-16. Review status: criteria provided, single submitter. Criteria: Invitae Variant Classification Sherloc (09022015). Collection method: clinical testing. Allele origin: germline.
Comment: In summary, the available evidence is currently insufficient to determine the role of this variant in disease. Therefore, it has been classified as a Variant of Uncertain Significance. This sequence change replaces threonine, which is neutral and polar, with alanine, which is neutral and non-polar, at codon 327 of the KCNJ13 protein (p.Thr327Ala). This variant is not present in population databases (gnomAD no frequency). Algorithms developed to predict the effect of sequence changes on RNA splicing suggest that this variant may create or strengthen a splice site. Algorithms developed to predict the effect of missense changes on protein structure and function output the following: SIFT: "Tolerated"; PolyPhen-2: "Benign"; Align-GVGD: "Class C0". The alanine amino acid residue is found in multiple mammalian species, which suggests that this missense change does not adversely affect protein function. ClinVar contains an entry for this variant (Variation ID: 1013931). This variant has not been reported in the literature in individuals affected with KCNJ13-related conditions.